The following is an entry in ClinVar:

ClinVar aggregate classification (germline): Uncertain significance. Review status: criteria provided, multiple submitters, no conflicts (2 of 4 stars). 2 submissions from 2 submitters: Uncertain significance (2). Last evaluated 2024-11-08.

Conditions:
DICER1-related tumor predisposition. Also called: DICER1 syndrome; DICER1-related pleuropulmonary blastoma cancer predisposition syndrome. Identifiers: Orphanet 284343, MedGen C3839822, MONDO:0100216.
Hereditary cancer-predisposing syndrome. Also called: Hereditary neoplastic syndrome; Tumor predisposition; Neoplastic Syndromes, Hereditary; Hereditary Cancer Syndrome. Identifiers: Orphanet 140162, MedGen C0027672, MeSH D009386, MONDO:0015356.

Allele frequency attached by ClinVar (database versions not stated): gnomAD exomes below 0.00001; TOPMed below 0.00001; ExAC 0.00001.
gnomAD v4.1: 2 of 1,614,018 alleles (0.00012%); highest among the groups gnomAD compares: Admixed American, 0.0017%; no homozygotes.

Submissions (2):

Ambry Genetics
Classification: Uncertain significance for Hereditary cancer-predisposing syndrome. Last evaluated: 2024-11-08. Review status: criteria provided, single submitter. Criteria: Ambry Variant Classification Scheme 2023. Collection method: clinical testing. Allele origin: germline.
Comment: The p.V694I variant (also known as c.2080G>A), located in coding exon 12 of the DICER1 gene, results from a G to A substitution at nucleotide position 2080. The valine at codon 694 is replaced by isoleucine, an amino acid with highly similar properties. This amino acid position is highly conserved in available vertebrate species. In addition, this alteration is predicted to be tolerated by in silico analysis. Based on the available evidence, the clinical significance of this variant remains unclear.

Labcorp Genetics (formerly Invitae), Labcorp
Classification: Uncertain significance for DICER1-related tumor predisposition. Last evaluated: 2023-02-06. Review status: criteria provided, single submitter. Criteria: Invitae Variant Classification Sherloc (09022015). Collection method: clinical testing. Allele origin: germline.
Comment: In summary, the available evidence is currently insufficient to determine the role of this variant in disease. Therefore, it has been classified as a Variant of Uncertain Significance. Advanced modeling of protein sequence and biophysical properties (such as structural, functional, and spatial information, amino acid conservation, physicochemical variation, residue mobility, and thermodynamic stability) performed at Invitae indicates that this missense variant is expected to disrupt DICER1 protein function. This sequence change replaces valine, which is neutral and non-polar, with isoleucine, which is neutral and non-polar, at codon 694 of the DICER1 protein (p.Val694Ile). ClinVar contains an entry for this variant (Variation ID: 949581). This variant is present in population databases (rs770652592, gnomAD 0.003%). This variant has not been reported in the literature in individuals affected with DICER1-related conditions.

NM_177438.3(DICER1):c.2080G>A (p.Val694Ile)

Gene: DICER1 (dicer 1, ribonuclease III; minus strand). Cytogenetic location: 14q32.13.
Variant type: single nucleotide variant.
Coding change: c.2080G>A on transcript NM_177438.3 (MANE Select); coding-DNA position 2080, G replaced by A.
Protein change: p.Val694Ile; replaces valine 694 with isoleucine.
Molecular consequence: missense variant.
Genome position (GRCh38, 1-based): chr14:95,112,208, C>T on the plus strand (G>A on the coding strand, the complement: DICER1 is on the minus strand). VCF-style: chr14-95112208-C-T. GRCh37 (hg19) VCF-style: chr14-95578545-C-T.
Other names: c.2080G>A, p.Val694Ile (NM_001195573.1, NM_001271282.3, NM_001291628.2 and 1 more transcripts); short protein forms V694I.
Identifiers: ClinVar variation 949581 (VCV000949581.14), dbSNP rs770652592, ClinGen allele CA7331322.